The following is an entry in ClinVar:

ClinVar aggregate classification (germline): Benign/Likely benign. Review status: criteria provided, multiple submitters, no conflicts (2 of 4 stars). 4 submissions from 4 submitters: Benign (2); Likely benign (2). Last evaluated 2026-02-01.

Allele frequency attached by ClinVar (database versions not stated): gnomAD exomes 0.00026 and 0.00071; gnomAD 0.00029 and 0.00040; TOPMed 0.00056; ExAC 0.00063; 1000 Genomes Project 30x 0.00203; 1000 Genomes Project 0.00220.
gnomAD v4.1: 458 of 1,613,874 alleles (0.028%); highest among the groups gnomAD compares: East Asian, 0.81%; 2 homozygotes.

Submissions (4):

Labcorp Genetics (formerly Invitae), Labcorp
Classification: Benign. Last evaluated: 2026-02-01. Review status: criteria provided, single submitter. Criteria: Invitae Variant Classification Sherloc (09022015). Collection method: clinical testing. Allele origin: germline.

CeGaT Center for Human Genetics Tuebingen
Classification: Likely benign. Last evaluated: 2025-10-01. Review status: criteria provided, single submitter. Criteria: CeGaT Center For Human Genetics Tuebingen Variant Classification Criteria Version 2. Collection method: clinical testing. Allele origin: germline. Affected: yes. Observed: 1 variant allele.
Comment: POLR1A: BP4, BP7

Blueprint Genetics
Classification: Likely benign. Last evaluated: 2024-11-19. Review status: criteria provided, single submitter. Criteria: ACMG Guidelines, 2015. Collection method: clinical testing. Allele origin: germline.

Breakthrough Genomics
Classification: Benign. Review status: criteria provided, single submitter. Criteria: ACMG Guidelines, 2015. Collection method: not provided. Allele origin: germline. Inheritance: Autosomal dominant inheritance. Affected: yes.

NM_015425.6(POLR1A):c.639C>T (p.Ser213=)

Gene: POLR1A (RNA polymerase I subunit A; minus strand). Cytogenetic location: 2p11.2.
Variant type: single nucleotide variant.
Coding change: c.639C>T on transcript NM_015425.6 (MANE Select); coding-DNA position 639, C replaced by T.
Protein change: p.Ser213=; no amino-acid change (serine 213 retained).
Molecular consequence: synonymous variant.
Genome position (GRCh38, 1-based): chr2:86,088,657, G>A on the plus strand (C>T on the coding strand, the complement: POLR1A is on the minus strand). VCF-style: chr2-86088657-G-A. GRCh37 (hg19) VCF-style: chr2-86315780-G-A.
Identifiers: ClinVar variation 786729 (VCV000786729.18), dbSNP rs117639882, ClinGen allele CA1746579.